The following is an entry in ClinVar:

ClinVar aggregate classification (germline): Uncertain significance (1 of 4 stars; one submission).

gnomAD v4.1: 1 of 1,608,798 alleles (0.000062%); highest among the groups gnomAD compares: South Asian, 0.0011%; no homozygotes.

Submission:

Labcorp Genetics (formerly Invitae), Labcorp
Classification: Uncertain significance. Last evaluated: 2026-01-20. Review status: criteria provided, single submitter. Criteria: Invitae Variant Classification Sherloc (09022015). Collection method: clinical testing. Allele origin: germline.
Comment: This sequence change replaces alanine, which is neutral and non-polar, with serine, which is neutral and polar, at codon 451 of the DONSON protein (p.Ala451Ser). This variant is not present in population databases (gnomAD no frequency). This variant has not been reported in the literature in individuals affected with DONSON-related conditions. An algorithm developed to predict the effect of missense changes on protein structure and function (PolyPhen-2) suggests that this variant is likely to be tolerated. Algorithms developed to predict the effect of sequence changes on RNA splicing suggest that this variant may disrupt the consensus splice site. In summary, the available evidence is currently insufficient to determine the role of this variant in disease. Therefore, it has been classified as a Variant of Uncertain Significance.

NM_017613.4(DONSON):c.1351G>T (p.Ala451Ser)

Gene: DONSON (DNA replication fork stabilization factor DONSON; minus strand). Cytogenetic location: 21q22.11.
Variant type: single nucleotide variant.
Coding change: c.1351G>T on transcript NM_017613.4 (MANE Select); coding-DNA position 1351, G replaced by T.
Protein change: p.Ala451Ser; replaces alanine 451 with serine.
Molecular consequence: missense variant.
Genome position (GRCh38, 1-based): chr21:33,579,562, C>A on the plus strand (G>T on the coding strand, the complement: DONSON is on the minus strand). VCF-style: chr21-33579562-C-A. GRCh37 (hg19) VCF-style: chr21-34951868-C-A.
Other names: short protein forms A451S.
Identifiers: ClinVar variation 4799237 (VCV004799237.1).